The following is an entry in ClinVar:

NM_001348768.2(HECW2):c.4543C>T (p.Arg1515Ter)

Gene: HECW2 (HECT, C2 and WW domain containing E3 ubiquitin protein ligase 2; minus strand). Cytogenetic location: 2q32.3.
Variant type: single nucleotide variant.
Coding change: c.4543C>T on transcript NM_001348768.2 (MANE Select); coding-DNA position 4543, C replaced by T.
Protein change: p.Arg1515Ter; replaces arginine 1515 with a stop codon.
Molecular consequence: nonsense.
Genome position (GRCh38, 1-based): chr2:196,215,929, G>A on the plus strand (C>T on the coding strand, the complement: HECW2 is on the minus strand). VCF-style: chr2-196215929-G-A. GRCh37 (hg19) VCF-style: chr2-197080653-G-A.
Other names: c.3475C>T, p.Arg1159Ter (NM_001304840.3); c.4543C>T, p.Arg1515Ter (NM_020760.4); short protein forms R1159*, R1515*.
Identifiers: ClinVar variation 4528905 (VCV004528905.1).

ClinVar aggregate classification (germline): Likely pathogenic (1 of 4 stars; one submission).

Conditions:
Neurodevelopmental disorder with hypotonia, seizures, and absent language (NDHSAL). Identifiers: MedGen C4310643, MONDO:0014995, OMIM 617268.

gnomAD v4.1: 2 of 1,613,942 alleles (0.00012%); highest among the groups gnomAD compares: Non-Finnish European, 0.00017%; no homozygotes.

Submission:

Medical Genetic Diagnosis and Therapy Center, Fujian Medical University
Classification: Likely pathogenic for Neurodevelopmental disorder with hypotonia, seizures, and absent language. Last evaluated: 2025-10-27. Review status: criteria provided, single submitter. Criteria: ACMG Guidelines, 2015. Collection method: clinical testing. Allele origin: germline. Affected: yes.
Comment: LP: PM2+PVS1_M+PS2_M. This variant has not been reported to our knowlwdge.